The following is an entry in ClinVar:

ClinVar aggregate classification (germline): Uncertain significance. Review status: criteria provided, multiple submitters, no conflicts (2 of 4 stars). 4 submissions from 4 submitters: Uncertain significance (2). 2 of the submissions do not count toward it. Last evaluated 2024-09-06.

Conditions:
Aneurysm-osteoarthritis syndrome. Also called: SMAD3-Related Loeys-Dietz Syndrome; ANEURYSMS-OSTEOARTHRITIS SYNDROME; Loeys-Dietz syndrome, type 1C; LOEYS-DIETZ SYNDROME WITH OSTEOARTHRITIS. Identifiers: Orphanet 284984, MedGen C3151087, MONDO:0013426, OMIM 613795.
Familial thoracic aortic aneurysm and aortic dissection (TAAD). Also called: Thoracic aortic aneurysms and dissections. Identifiers: Orphanet 91387, MedGen C4707243, MONDO:0019625.

Submissions (4):

Centre of Medical Genetics, University of Antwerp
Classification: Uncertain significance for Familial thoracic aortic aneurysm and aortic dissection. Last evaluated: 2024-09-06. Review status: criteria provided, single submitter. Criteria: ACMG Guidelines, 2015. Collection method: clinical testing. Allele origin: germline. Affected: yes.

All of Us Research Program, National Institutes of Health
Classification: Uncertain significance for Aneurysm-osteoarthritis syndrome. Last evaluated: 2023-07-19. Review status: criteria provided, single submitter. Criteria: ACMG Guidelines, 2015. Collection method: clinical testing. Allele origin: germline. Inheritance: Autosomal dominant inheritance. Observed: 1 variant allele, 1 heterozygote.
Comment: This missense variant replaces tyrosine with cysteine at codon 384 of the SMAD3 protein. Computational prediction suggests that this variant may have deleterious impact on protein structure and function (internally defined REVEL score threshold >= 0.7, PMID: 27666373). To our knowledge, functional studies have not been reported for this variant. This variant has not been reported in individuals affected with SMAD3-related disorders in the literature. This variant has not been identified in the general population by the Genome Aggregation Database (gnomAD). The available evidence is insufficient to determine the role of this variant in disease conclusively. Therefore, this variant is classified as a Variant of Uncertain Significance.

This study involves interpretation of variants in research participants for the purpose of population health screening. Participant phenotype was not available at the time of variant classification. Additional details can be found in publication PMID: 35346344, PMCID: PMC8962531

Clinical Genetics DNA and cytogenetics Diagnostics Lab, Erasmus MC, Erasmus Medical Center
Classification: Uncertain significance. Review status: no assertion criteria provided. Collection method: clinical testing. Allele origin: germline. Affected: yes. Study: VKGL Data-share Consensus. Not counted in ClinVar's aggregate classification.

Joint Genome Diagnostic Labs from Nijmegen and Maastricht, Radboudumc and MUMC+
Classification: Uncertain significance. Review status: no assertion criteria provided. Collection method: clinical testing. Allele origin: germline. Affected: yes. Study: VKGL Data-share Consensus. Not counted in ClinVar's aggregate classification.

NM_005902.4(SMAD3):c.1151A>G (p.Tyr384Cys)

Gene: SMAD3 (SMAD family member 3; plus strand). Cytogenetic location: 15q22.33.
Variant type: single nucleotide variant.
Coding change: c.1151A>G on transcript NM_005902.4 (MANE Select); coding-DNA position 1151, A replaced by G.
Protein change: p.Tyr384Cys; replaces tyrosine 384 with cysteine.
Molecular consequence: missense variant.
Genome position (GRCh38, 1-based): chr15:67,187,506, A>G. VCF-style: chr15-67187506-A-G. GRCh37 (hg19) VCF-style: chr15-67479844-A-G.
Other names: c.836A>G, p.Tyr279Cys (NM_001145102.2); c.1019A>G, p.Tyr340Cys (NM_001145103.2); c.566A>G, p.Tyr189Cys (NM_001145104.2); short protein forms Y189C, Y279C, Y340C, Y384C.
Identifiers: ClinVar variation 1328502 (VCV001328502.4), dbSNP rs2140323808, ClinGen allele CA392958366.